The following is an entry in ClinVar:

ClinVar aggregate classification (germline): Uncertain significance (1 of 4 stars; one submission).

Conditions:
Zimmermann-Laband syndrome 2 (ZLS2). Identifiers: Orphanet 3473, MedGen C4225321, MONDO:0014646, OMIM 616455.

Submission:

Victorian Clinical Genetics Services, Murdoch Childrens Research Institute
Classification: Uncertain significance for Zimmermann-Laband syndrome 2. Last evaluated: 2026-07-15. Review status: criteria provided, single submitter. Criteria: ACMG Guidelines, 2015. Collection method: clinical testing. Allele origin: germline. Affected: yes.
Comment: This variant is classified as VUS-3B. Evidence in support of pathogenic classification: This variant is absent from gnomAD v4; Evidence in support of benign classification: Missense variant predicted to be tolerated by in silico tool(s) and/or not conserved in placental mammals with a minor amino acid change. Additional information: This variant is predicted to result in a missense amino acid change from Pro to Thr; This variant is heterozygous; This gene is associated with autosomal dominant disease; Alternative amino acid change(s) at the same position are present in gnomAD (highest allele count: v4: 3 heterozygote(s), 0 homozygote(s)); This variant has no previous evidence of pathogenicity; No published evidence of segregation with disease has been identified for this variant; No published functional evidence has been identified for this variant; No comparable variants have previous evidence for pathogenicity; Variant is not located in an established domain, motif, hotspot or informative constraint region; The mechanism of disease is not clearly established; Variants in this gene are known to have variable expressivity (PMIDs: 36135319, 32873933).

Literature cited by the submitters: PubMed 36135319; PubMed 32873933.

NM_001693.4(ATP6V1B2):c.52C>A (p.Pro18Thr)

Gene: ATP6V1B2 (ATPase H+ transporting V1 subunit B2; plus strand). Cytogenetic location: 8p21.3.
Variant type: single nucleotide variant.
Coding change: c.52C>A on transcript NM_001693.4 (MANE Select); coding-DNA position 52, C replaced by A.
Protein change: p.Pro18Thr; replaces proline 18 with threonine.
Molecular consequence: missense variant.
Genome position (GRCh38, 1-based): chr8:20,197,458, C>A. VCF-style: chr8-20197458-C-A. GRCh37 (hg19) VCF-style: chr8-20054969-C-A.
Other names: short protein forms P18T.
Identifiers: ClinVar variation 4879756 (VCV004879756.1).